The following is an entry in ClinVar:

NM_001290403.2(TAL1):c.486C>G (p.Thr162=)

Gene: TAL1 (TAL bHLH transcription factor 1, erythroid differentiation factor; minus strand). Cytogenetic location: 1p33.
Variant type: single nucleotide variant.
Coding change: c.486C>G on transcript NM_001290403.2 (MANE Select); coding-DNA position 486, C replaced by G.
Protein change: p.Thr162=; no amino-acid change (threonine 162 retained).
Molecular consequence: synonymous variant.
Genome position (GRCh38, 1-based): chr1:47,224,059, G>C on the plus strand (C>G on the coding strand, the complement: TAL1 is on the minus strand). VCF-style: chr1-47224059-G-C. GRCh37 (hg19) VCF-style: chr1-47689731-G-C.
Other names: c.486C>G, p.Thr162= (NM_001287347.2, NM_001290404.1, NM_001290405.1 and 1 more transcripts); c.9C>G, p.Thr3= (NM_001290406.2).
Identifiers: ClinVar variation 3045332 (VCV003045332.2), dbSNP rs41289394, ClinGen allele CA841805.

ClinVar aggregate classification (germline): Likely benign (0 of 4 stars; one submission).

Conditions:
TAL1-related disorder. Also called: TAL1-related condition.

Allele frequency attached by ClinVar (database versions not stated): gnomAD 0.00086; ExAC 0.00087; TOPMed 0.00093; gnomAD exomes 0.00113; ESP Exome Variant Server 0.00115.
gnomAD v4.1: 1,775 of 1,613,808 alleles (0.11%); highest among the groups gnomAD compares: Non-Finnish European, 0.14%; 1 homozygote.

Submission:

PreventionGenetics, part of Exact Sciences
Classification: Likely benign for TAL1-related condition. Last evaluated: 2019-03-05. Review status: no assertion criteria provided. Collection method: clinical testing. Allele origin: germline.
Comment: This variant is classified as likely benign based on ACMG/AMP sequence variant interpretation guidelines (Richards et al. 2015 PMID: 25741868, with internal and published modifications).